The following is an entry in ClinVar:

ClinVar aggregate classification (germline): Uncertain significance (1 of 4 stars; one submission).

Submission:

GeneDx
Classification: Uncertain significance. Last evaluated: 2021-03-16. Review status: criteria provided, single submitter. Criteria: GeneDx Variant Classification Process June 2021. Collection method: clinical testing. Allele origin: germline. Affected: yes.
Comment: Has not been previously published as pathogenic or benign to our knowledge; Not observed in large population cohorts (Lek et al., 2016); In silico analysis supports that this missense variant has a deleterious effect on protein structure/function

NM_000393.5(COL5A2):c.2297A>G (p.Glu766Gly)

Gene: COL5A2 (collagen type V alpha 2 chain; minus strand). Cytogenetic location: 2q32.2.
Variant type: single nucleotide variant.
Coding change: c.2297A>G on transcript NM_000393.5 (MANE Select); coding-DNA position 2297, A replaced by G.
Protein change: p.Glu766Gly; replaces glutamic acid 766 with glycine.
Molecular consequence: missense variant.
Genome position (GRCh38, 1-based): chr2:189,057,360, T>C on the plus strand (A>G on the coding strand, the complement: COL5A2 is on the minus strand). VCF-style: chr2-189057360-T-C. GRCh37 (hg19) VCF-style: chr2-189922086-T-C.
Other names: short protein forms E766G.
Identifiers: ClinVar variation 1314127 (VCV001314127.2), dbSNP rs2105575251, ClinGen allele CA349873954.